The following is an entry in ClinVar:

ClinVar aggregate classification (germline): Uncertain significance (1 of 4 stars; one submission).

Conditions:
Rhabdoid tumor predisposition syndrome 2 (RTPS2). Identifiers: Orphanet 231108, Orphanet 69077, MedGen C2750074, MONDO:0013224, OMIM 613325.

Submission:

Labcorp Genetics (formerly Invitae), Labcorp
Classification: Uncertain significance for Rhabdoid tumor predisposition syndrome 2. Last evaluated: 2025-06-20. Review status: criteria provided, single submitter. Criteria: Invitae Variant Classification Sherloc (09022015). Collection method: clinical testing. Allele origin: germline.
Comment: This sequence change replaces alanine, which is neutral and non-polar, with glutamic acid, which is acidic and polar, at codon 1002 of the SMARCA4 protein (p.Ala1002Glu). This variant is not present in population databases (gnomAD no frequency). This variant has not been reported in the literature in individuals affected with SMARCA4-related conditions. Invitae Evidence Modeling of protein sequence and biophysical properties (such as structural, functional, and spatial information, amino acid conservation, physicochemical variation, residue mobility, and thermodynamic stability) has been performed for this missense variant. However, the output from this modeling did not meet the statistical confidence thresholds required to predict the impact of this variant on SMARCA4 protein function. In summary, the available evidence is currently insufficient to determine the role of this variant in disease. Therefore, it has been classified as a Variant of Uncertain Significance.

NM_003072.5(SMARCA4):c.3005C>A (p.Ala1002Glu)

Gene: SMARCA4 (SWI/SNF related BAF chromatin remodeling complex subunit ATPase 4; plus strand). Cytogenetic location: 19p13.2.
Variant type: single nucleotide variant.
Coding change: c.3005C>A on transcript NM_003072.5 (MANE Select); coding-DNA position 3005, C replaced by A.
Protein change: p.Ala1002Glu; replaces alanine 1002 with glutamic acid.
Molecular consequence: missense variant. On other transcripts: non-coding transcript variant (1).
Genome position (GRCh38, 1-based): chr19:11,024,362, C>A. VCF-style: chr19-11024362-C-A. GRCh37 (hg19) VCF-style: chr19-11135038-C-A.
Other names: c.3005C>A, p.Ala1002Glu (NM_001128844.3, NM_001128845.2, NM_001128846.2 and 6 more transcripts); short protein forms A1002E.
Identifiers: ClinVar variation 4802573 (VCV004802573.1).